The following is an entry in ClinVar:

ClinVar aggregate classification (germline): Benign/Likely benign. Review status: criteria provided, multiple submitters, no conflicts (2 of 4 stars). 9 submissions from 9 submitters: Benign (1); Likely benign (7). 1 of the submissions does not count toward it. Last evaluated 2026-01-13.

Conditions:
Brugada syndrome. Also called: Sudden Unexplained Death Syndrome; Sudden Unexplained Nocturnal Death Syndrome (SUNDS); Sudden unexplained nocturnal death syndrome; Sudden unexpected nocturnal death syndrome. Identifiers: Orphanet 130, MedGen C1142166, MONDO:0015263.
Long QT syndrome (LQTS). Identifiers: MedGen C0023976, MeSH D008133, MONDO:0002442. Disease mechanism: loss of function. Inheritance: Various modes of inheritance.
Duchenne muscular dystrophy (DMD). Also called: MUSCULAR DYSTROPHY, PSEUDOHYPERTROPHIC PROGRESSIVE, DUCHENNE TYPE; Duchenne Muscular Dystrophy (DMD). Identifiers: Orphanet 98896, MedGen C0013264, MONDO:0010679, OMIM 310200.
Becker muscular dystrophy (BMD). Also called: Becker Muscular Dystrophy (BMD); MUSCULAR DYSTROPHY, PSEUDOHYPERTROPHIC PROGRESSIVE, BECKER TYPE. Identifiers: Orphanet 98895, MedGen C0917713, MONDO:0010311, OMIM 300376.
Dystrophin deficiency.
Cardiomyopathy (CMYO). Also called: Cardiomyopathies. Identifiers: Orphanet 167848, MedGen C0878544, MONDO:0004994, HP:0001638. Inheritance: Various modes of inheritance.
Cardiovascular phenotype. Identifiers: MedGen CN230736.
Dilated cardiomyopathy 3B (CMD3B). Also called: CMD3B: DMD-Related Dilated Cardiomyopathy; CARDIOMYOPATHY, DILATED, X-LINKED; DMD-Associated Dilated Cardiomyopathy. Identifiers: Orphanet 154, MedGen C3668940, MONDO:0010542, OMIM 302045.

Allele frequency attached by ClinVar (database versions not stated): ExAC 0.00003; gnomAD 0.00003; gnomAD exomes 0.00003 and 0.00008; TOPMed 0.00005.
gnomAD v4.1: 92 of 1,205,796 alleles (0.0076%); highest among the groups gnomAD compares: Non-Finnish European, 0.009%; 1 homozygote.

Submissions (9):

Labcorp Genetics (formerly Invitae), Labcorp
Classification: Benign for Duchenne muscular dystrophy. Last evaluated: 2026-01-13. Review status: criteria provided, single submitter. Criteria: Invitae Variant Classification Sherloc (09022015). Collection method: clinical testing. Allele origin: germline.

Mayo Clinic Laboratories, Mayo Clinic
Classification: Likely benign. Last evaluated: 2025-08-08. Review status: criteria provided, single submitter. Criteria: ACMG Guidelines, 2015. Collection method: clinical testing. Allele origin: germline. Observed: 1 variant allele.
Comment: BS2_supporting, BP4_moderate

Ambry Genetics
Classification: Likely benign for Cardiovascular phenotype. Last evaluated: 2025-01-02. Review status: criteria provided, single submitter. Criteria: Ambry Variant Classification Scheme 2023. Collection method: clinical testing. Allele origin: germline.

Athena Diagnostics
Classification: Likely benign. Last evaluated: 2024-03-20. Review status: criteria provided, single submitter. Criteria: Athena Diagnostics Criteria. Collection method: clinical testing. Allele origin: unknown.

CeGaT Center for Human Genetics Tuebingen
Classification: Likely benign. Last evaluated: 2023-10-01. Review status: criteria provided, single submitter. Criteria: CeGaT Center For Human Genetics Tuebingen Variant Classification Criteria Version 2. Collection method: clinical testing. Allele origin: germline. Affected: yes. Observed: 1 variant allele.
Comment: DMD: BP4, BS2

Fulgent Genetics
Classification: Likely benign for Becker muscular dystrophy; Dilated cardiomyopathy 3B; Duchenne muscular dystrophy. Last evaluated: 2021-08-13. Review status: criteria provided, single submitter. Criteria: ACMG Guidelines, 2015. Collection method: clinical testing. Allele origin: unknown.

GeneDx
Classification: Likely benign. Last evaluated: 2019-11-19. Review status: criteria provided, single submitter. Criteria: GeneDx Variant Classification Process June 2021. Collection method: clinical testing. Allele origin: germline. Affected: yes.

Center for Advanced Laboratory Medicine, UC San Diego Health, University of California San Diego
Classification: Likely benign for Brugada syndrome; Long QT Syndrome. Last evaluated: 2018-02-27. Review status: criteria provided, single submitter. Criteria: ACMG Guidelines, 2015. Collection method: clinical testing. Allele origin: germline. Affected: yes. Observed: 2 variant alleles.

Natera, Inc.
Classification: Likely benign for Becker muscular dystrophy; Cardiomyopathy; Duchenne muscular dystrophy; Dystrophin deficiency. Last evaluated: 2020-04-22. Review status: no assertion criteria provided. Collection method: clinical testing. Allele origin: germline. Not counted in ClinVar's aggregate classification.

Literature cited by the submitters: PubMed 39588385 (cited by Ambry Genetics); PubMed 37713468 (cited by Athena Diagnostics).

NM_004006.3(DMD):c.1462C>T (p.Arg488Cys)

Gene: DMD (dystrophin; minus strand). Cytogenetic location: Xp21.1.
Variant type: single nucleotide variant.
Coding change: c.1462C>T on transcript NM_004006.3 (MANE Select); coding-DNA position 1462, C replaced by T.
Protein change: p.Arg488Cys; replaces arginine 488 with cysteine.
Molecular consequence: missense variant.
Genome position (GRCh38, 1-based): chrX:32,614,323, G>A on the plus strand (C>T on the coding strand, the complement: DMD is on the minus strand). VCF-style: chrX-32614323-G-A. GRCh37 (hg19) VCF-style: chrX-32632440-G-A.
Other names: p.Arg488Cys; c.1438C>T, p.Arg480Cys (NM_000109.4); c.1450C>T, p.Arg484Cys (NM_004009.3); c.1093C>T, p.Arg365Cys (NM_004010.3); short protein forms R488C, R365C, R480C, R484C.
Identifiers: ClinVar variation 391751 (VCV000391751.45), dbSNP rs758932385, ClinGen allele CA10379855.